The following is an entry in ClinVar:

ClinVar aggregate classification (germline): Conflicting classifications of pathogenicity. Review status: criteria provided, conflicting classifications (1 of 4 stars). 4 submissions from 4 submitters: Uncertain significance (3); Likely benign (1). Last evaluated 2026-01-31.

Conditions:
Hereditary cancer-predisposing syndrome. Also called: Hereditary neoplastic syndrome; Hereditary Cancer Syndrome; Tumor predisposition; Neoplastic Syndromes, Hereditary. Identifiers: Orphanet 140162, MedGen C0027672, MeSH D009386, MONDO:0015356.

Allele frequency attached by ClinVar (database versions not stated): gnomAD exomes below 0.00001; ExAC 0.00001; gnomAD 0.00001; TOPMed 0.00002.
gnomAD v4.1: 4 of 1,613,958 alleles (0.00025%); highest among the groups gnomAD compares: African/African-American, 0.0027%; no homozygotes.

Submissions (4):

Labcorp Genetics (formerly Invitae), Labcorp
Classification: Uncertain significance. Last evaluated: 2026-01-31. Review status: criteria provided, single submitter. Criteria: Invitae Variant Classification Sherloc (09022015). Collection method: clinical testing. Allele origin: germline.
Comment: This sequence change replaces valine, which is neutral and non-polar, with isoleucine, which is neutral and non-polar, at codon 255 of the POLE protein (p.Val255Ile). This variant is present in population databases (rs776357611, gnomAD 0.007%). This variant has not been reported in the literature in individuals affected with POLE-related conditions. ClinVar contains an entry for this variant (Variation ID: 643633). Invitae Evidence Modeling of protein sequence and biophysical properties (such as structural, functional, and spatial information, amino acid conservation, physicochemical variation, residue mobility, and thermodynamic stability) indicates that this missense variant is not expected to disrupt POLE protein function with a negative predictive value of 80%. In summary, the available evidence is currently insufficient to determine the role of this variant in disease. Therefore, it has been classified as a Variant of Uncertain Significance.

Ambry Genetics
Classification: Likely benign for Hereditary cancer-predisposing syndrome. Last evaluated: 2025-07-30. Review status: criteria provided, single submitter. Criteria: Ambry Variant Classification Scheme 2023. Collection method: clinical testing. Allele origin: germline.

GeneDx
Classification: Uncertain significance. Last evaluated: 2024-09-24. Review status: criteria provided, single submitter. Criteria: GeneDx Variant Classification Process June 2021. Collection method: clinical testing. Allele origin: germline. Affected: yes.
Comment: Not observed at significant frequency in large population cohorts (gnomAD); In silico analysis indicates that this missense variant does not alter protein structure/function; Has not been previously published as pathogenic or benign to our knowledge

Blueprint Genetics
Classification: Uncertain significance. Last evaluated: 2024-05-14. Review status: criteria provided, single submitter. Criteria: ACMG Guidelines, 2015. Collection method: clinical testing. Allele origin: germline.

NM_006231.4(POLE):c.763G>A (p.Val255Ile)

Gene: POLE (DNA polymerase epsilon, catalytic subunit; minus strand). Cytogenetic location: 12q24.33.
Variant type: single nucleotide variant.
Coding change: c.763G>A on transcript NM_006231.4 (MANE Select); coding-DNA position 763, G replaced by A.
Protein change: p.Val255Ile; replaces valine 255 with isoleucine.
Molecular consequence: missense variant.
Genome position (GRCh38, 1-based): chr12:132,677,401, C>T on the plus strand (G>A on the coding strand, the complement: POLE is on the minus strand). VCF-style: chr12-132677401-C-T. GRCh37 (hg19) VCF-style: chr12-133253987-C-T.
Other names: short protein forms V255I.
Identifiers: ClinVar variation 643633 (VCV000643633.16), dbSNP rs776357611, ClinGen allele CA6894193.